The following is an entry in ClinVar:

NM_000046.5(ARSB):c.1373A>G (p.Asn458Ser)

Gene: ARSB (arylsulfatase B; minus strand). Cytogenetic location: 5q14.1.
Variant type: single nucleotide variant.
Coding change: c.1373A>G on transcript NM_000046.5 (MANE Select); coding-DNA position 1373, A replaced by G.
Protein change: p.Asn458Ser; replaces asparagine 458 with serine.
Molecular consequence: missense variant.
Genome position (GRCh38, 1-based): chr5:78,780,626, T>C on the plus strand (A>G on the coding strand, the complement: ARSB is on the minus strand). VCF-style: chr5-78780626-T-C. GRCh37 (hg19) VCF-style: chr5-78076449-T-C.
Other names: short protein forms N458S.
Identifiers: ClinVar variation 286086 (VCV000286086.24), dbSNP rs144222167, ClinGen allele CA3317993.

ClinVar aggregate classification (germline): Conflicting classifications of pathogenicity. Review status: criteria provided, conflicting classifications (1 of 4 stars). 6 submissions from 6 submitters: Uncertain significance (1); Benign (1); Likely benign (3). 1 of the submissions does not count toward it. Last evaluated 2026-01-28.

Conditions:
Mucopolysaccharidosis type 6 (MPS6). Also called: N-ACETYLGALACTOSAMINE-4-SULFATASE DEFICIENCY; ARSB DEFICIENCY; ARYLSULFATASE B DEFICIENCY; MPS 6; Maroteaux Lamy syndrome; MPS VI. Identifiers: Orphanet 583, MedGen C0026709, MONDO:0009661, OMIM 253200.
ARSB-related disorder. Also called: ARSB-related condition.

Allele frequency attached by ClinVar (database versions not stated): gnomAD exomes 0.00056 and 0.00125; gnomAD 0.00074 and 0.00078; TOPMed 0.00084; ESP Exome Variant Server 0.00085; ExAC 0.00100.
gnomAD v4.1: 980 of 1,613,942 alleles (0.061%); highest among the groups gnomAD compares: Middle Eastern, 0.49%; 8 homozygotes.

Submissions (12):

Labcorp Genetics (formerly Invitae), Labcorp
Classification: Benign for Mucopolysaccharidosis type 6. Last evaluated: 2026-01-28. Review status: criteria provided, single submitter. Criteria: Invitae Variant Classification Sherloc (09022015). Collection method: clinical testing. Allele origin: germline.

Blueprint Genetics
Classification: Likely benign. Last evaluated: 2024-11-15. Review status: criteria provided, single submitter. Criteria: ACMG Guidelines, 2015. Collection method: clinical testing. Allele origin: germline.

PreventionGenetics, part of Exact Sciences
Classification: Likely benign for ARSB-related condition. Last evaluated: 2024-10-18. Review status: criteria provided, single submitter. Criteria: ACMG Guidelines, 2015. Collection method: clinical testing. Allele origin: germline.
Comment: This variant is classified as likely benign based on ACMG/AMP sequence variant interpretation guidelines (Richards et al. 2015 PMID: 25741868, with internal and published modifications).

Illumina Laboratory Services, Illumina
Classification: Uncertain significance for Mucopolysaccharidosis type 6. Last evaluated: 2018-01-13. Review status: criteria provided, single submitter. Criteria: ICSL Variant Classification Criteria 13 December 2019. Collection method: clinical testing. Allele origin: germline.

Eurofins Ntd Llc (ga)
Classification: Likely benign. Last evaluated: 2016-02-11. Review status: criteria provided, single submitter. Criteria: EGL Classification Definitions 2015. Collection method: clinical testing. Allele origin: germline. Observed: 1 variant allele, 1 heterozygote.

Natera, Inc.
Classification: Benign for Mucopolysaccharidosis type VI. Last evaluated: 2020-09-16. Review status: no assertion criteria provided. Collection method: clinical testing. Allele origin: germline. Not counted in ClinVar's aggregate classification.

Dr. Peter K. Rogan Lab, Western University
No classification provided (evidence only). Condition: Familial cancer of breast. Review status: no classification provided. Collection method: in vitro. Allele origin: not applicable. Functional consequence: retained intron. Not counted in ClinVar's aggregate classification.

Dr. Peter K. Rogan Lab, Western University
No classification provided (evidence only). Condition: Colon adenocarcinoma. Review status: no classification provided. Collection method: in vitro. Allele origin: not applicable. Functional consequence: retained intron. Not counted in ClinVar's aggregate classification.

Dr. Peter K. Rogan Lab, Western University
No classification provided (evidence only). Condition: Thyroid cancer, nonmedullary, 1. Review status: no classification provided. Collection method: in vitro. Allele origin: not applicable. Functional consequence: retained intron. Not counted in ClinVar's aggregate classification.

Dr. Peter K. Rogan Lab, Western University
No classification provided (evidence only). Condition: Thyroid cancer, nonmedullary, 1. Review status: no classification provided. Collection method: in vitro. Allele origin: not applicable. Functional consequence: retained intron. Not counted in ClinVar's aggregate classification.

Dr. Peter K. Rogan Lab, Western University
No classification provided (evidence only). Condition: Thyroid cancer, nonmedullary, 1. Review status: no classification provided. Collection method: in vitro. Allele origin: not applicable. Functional consequence: retained intron. Not counted in ClinVar's aggregate classification.

Dr. Peter K. Rogan Lab, Western University
No classification provided (evidence only). Condition: Ovarian serous cystadenocarcinoma. Review status: no classification provided. Collection method: in vitro. Allele origin: not applicable. Functional consequence: retained intron. Not counted in ClinVar's aggregate classification.